The following is an entry in ClinVar:

ClinVar aggregate classification (germline): Benign. Review status: criteria provided, multiple submitters, no conflicts (2 of 4 stars). 7 submissions from 7 submitters: Benign (4). 3 of the submissions do not count toward it. Last evaluated 2026-02-04.

Allele frequency attached by ClinVar (database versions not stated): ESP Exome Variant Server 0.08942; gnomAD 0.09773 and 0.10239; TOPMed 0.09845; 1000 Genomes Project 30x 0.12648; gnomAD exomes 0.13342 and 0.13399; 1000 Genomes Project 0.13438; ExAC 0.13536.
gnomAD v4.1: 210,475 of 1,613,050 alleles (13%); highest among the groups gnomAD compares: East Asian, 25%; 14,794 homozygotes.

Submissions (7):

Labcorp Genetics (formerly Invitae), Labcorp
Classification: Benign. Last evaluated: 2026-02-04. Review status: criteria provided, single submitter. Criteria: Invitae Variant Classification Sherloc (09022015). Collection method: clinical testing. Allele origin: germline.

Unidad de Genómica Garrahan, Hospital de Pediatría Garrahan
Classification: Benign. Last evaluated: 2024-01-24. Review status: criteria provided, single submitter. Criteria: ACMG Guidelines, 2015. Collection method: clinical testing. Allele origin: germline. Affected: no. Observed: 20 variant alleles.
Comment: This variant is classified as Benign based on local population frequency. This variant was detected in 21% of patients studied by a panel of primary immunodeficiencies. Number of patients: 20. Only high quality variants are reported.

GeneDx
Classification: Benign. Last evaluated: 2016-01-08. Review status: criteria provided, single submitter. Criteria: GeneDx Variant Classification (06012015). Collection method: clinical testing. Allele origin: germline. Affected: yes.
Comment: This variant is considered likely benign or benign based on one or more of the following criteria: it is a conservative change, it occurs at a poorly conserved position in the protein, it is predicted to be benign by multiple in silico algorithms, and/or has population frequency not consistent with disease.

Breakthrough Genomics
Classification: Benign. Review status: criteria provided, single submitter. Criteria: ACMG Guidelines, 2015. Collection method: not provided. Allele origin: germline. Inheritance: Autosomal recessive inheritance. Affected: yes.

Clinical Genetics DNA and cytogenetics Diagnostics Lab, Erasmus MC, Erasmus Medical Center
Classification: Benign. Review status: no assertion criteria provided. Collection method: clinical testing. Allele origin: germline. Affected: yes. Study: VKGL Data-share Consensus. Not counted in ClinVar's aggregate classification.

Clinical Genetics, Academic Medical Center
Classification: Benign. Review status: no assertion criteria provided. Collection method: clinical testing. Allele origin: germline. Affected: yes. Study: VKGL Data-share Consensus. Not counted in ClinVar's aggregate classification.

Joint Genome Diagnostic Labs from Nijmegen and Maastricht, Radboudumc and MUMC+
Classification: Benign. Review status: no assertion criteria provided. Collection method: clinical testing. Allele origin: germline. Affected: yes. Study: VKGL Data-share Consensus. Not counted in ClinVar's aggregate classification.

NM_001291303.3(FAT4):c.12819G>A (p.Val4273=)

Gene: FAT4 (FAT atypical cadherin 4; plus strand). Cytogenetic location: 4q28.1.
Variant type: single nucleotide variant.
Coding change: c.12819G>A on transcript NM_001291303.3 (MANE Select); coding-DNA position 12819, G replaced by A.
Protein change: p.Val4273=; no amino-acid change (valine 4273 retained).
Molecular consequence: synonymous variant.
Genome position (GRCh38, 1-based): chr4:125,481,735, G>A. VCF-style: chr4-125481735-G-A. GRCh37 (hg19) VCF-style: chr4-126402890-G-A.
Other names: c.12819G>A, p.Val4273= (NM_001291285.3); c.12813G>A, p.Val4271= (NM_024582.6).
Identifiers: ClinVar variation 380800 (VCV000380800.16), dbSNP rs6824160, ClinGen allele CA3074184.